The following is an entry in ClinVar:

NM_000593.6(TAP1):c.447C>T (p.Pro149=)

Gene: TAP1 (transporter 1, ATP binding cassette subfamily B member; minus strand). Cytogenetic location: 6p21.32.
Variant type: single nucleotide variant.
Coding change: c.447C>T on transcript NM_000593.6 (MANE Select); coding-DNA position 447, C replaced by T.
Protein change: p.Pro149=; no amino-acid change (proline 149 retained).
Molecular consequence: synonymous variant.
Genome position (GRCh38, 1-based): chr6:32,853,190, G>A on the plus strand (C>T on the coding strand, the complement: TAP1 is on the minus strand). VCF-style: chr6-32853190-G-A. GRCh37 (hg19) VCF-style: chr6-32820967-G-A.
Other names: c.627C>T (NM_000593.5).
Identifiers: ClinVar variation 1152584 (VCV001152584.32), dbSNP rs757944776, ClinGen allele CA3747015.

ClinVar aggregate classification (germline): Likely benign. Review status: criteria provided, multiple submitters, no conflicts (2 of 4 stars). 3 submissions from 3 submitters: Likely benign (2). 1 of the submissions does not count toward it. Last evaluated 2025-10-09.

Conditions:
TAP1-related disorder. Also called: TAP1-related condition.
MHC class I deficiency. Identifiers: Orphanet 34592, MedGen C6024714, MONDO:0011476.

Allele frequency attached by ClinVar (database versions not stated): gnomAD 0.00015 and 0.00016.
gnomAD v4.1: 190 of 1,612,210 alleles (0.012%); highest among the groups gnomAD compares: Admixed American, 0.012%; no homozygotes.

Submissions (3):

Labcorp Genetics (formerly Invitae), Labcorp
Classification: Likely benign for MHC class I deficiency 1. Last evaluated: 2025-10-09. Review status: criteria provided, single submitter. Criteria: Invitae Variant Classification Sherloc (09022015). Collection method: clinical testing. Allele origin: germline.

CeGaT Center for Human Genetics Tuebingen
Classification: Likely benign. Last evaluated: 2023-12-01. Review status: criteria provided, single submitter. Criteria: CeGaT Center For Human Genetics Tuebingen Variant Classification Criteria Version 2. Collection method: clinical testing. Allele origin: germline. Affected: yes. Observed: 1 variant allele.
Comment: TAP1: BP4, BP7

PreventionGenetics, part of Exact Sciences
Classification: Likely benign for TAP1-related condition. Last evaluated: 2022-05-17. Review status: no assertion criteria provided. Collection method: clinical testing. Allele origin: germline. Not counted in ClinVar's aggregate classification.
Comment: This variant is classified as likely benign based on ACMG/AMP sequence variant interpretation guidelines (Richards et al. 2015 PMID: 25741868, with internal and published modifications).